The following is an entry in ClinVar:

NM_015506.3(MMACHC):c.434T>C (p.Ile145Thr)

Gene: MMACHC (metabolism of cobalamin associated C; plus strand). Cytogenetic location: 1p34.1.
Variant type: single nucleotide variant.
Coding change: c.434T>C on transcript NM_015506.3 (MANE Select); coding-DNA position 434, T replaced by C.
Protein change: p.Ile145Thr; replaces isoleucine 145 with threonine.
Molecular consequence: missense variant.
Genome position (GRCh38, 1-based): chr1:45,508,800, T>C. VCF-style: chr1-45508800-T-C. GRCh37 (hg19) VCF-style: chr1-45974472-T-C.
Other names: c.263T>C, p.Ile88Thr (NM_001330540.2); short protein forms I88T, I145T.
Identifiers: ClinVar variation 1463938 (VCV001463938.10), dbSNP rs759921519, ClinGen allele CA827759.

ClinVar aggregate classification (germline): Uncertain significance. Review status: criteria provided, multiple submitters, no conflicts (2 of 4 stars). 5 submissions from 5 submitters: Uncertain significance (5). Last evaluated 2025-12-15.

Conditions:
Inborn genetic diseases. Identifiers: MedGen C0950123, MeSH D030342.
Cobalamin C disease. Also called: methylmalonic aciduria and homocystinuria type cblC; Cobalamin-C methylmalonic acidemia and homocystinuria; Methylmalonic acidemia and homocystinuria cblC type; Methylmalonic aciduria and homocystinuria, Vitamin B12-responsive; Vitamin B12 metabolic defect with combined deficiency of methylmalonyl-CoA mutase and homocysteine:methyltetrahydrofolate methyltransferase; Methylmalonic aciduria with homocystinuria cblC type. Identifiers: Orphanet 26, Orphanet 79282, MedGen C1848561, MONDO:0010184, OMIM 277400.

Allele frequency attached by ClinVar (database versions not stated): gnomAD exomes below 0.00001 and 0.00002; TOPMed below 0.00001; gnomAD 0.00001; ExAC 0.00004.

Submissions (5):

Ambry Genetics
Classification: Uncertain significance for Inborn genetic diseases. Last evaluated: 2025-12-15. Review status: criteria provided, single submitter. Criteria: Ambry Variant Classification Scheme 2023. Collection method: clinical testing. Allele origin: germline.

Labcorp Genetics (formerly Invitae), Labcorp
Classification: Uncertain significance for Cobalamin C disease. Last evaluated: 2023-12-10. Review status: criteria provided, single submitter. Criteria: Invitae Variant Classification Sherloc (09022015). Collection method: clinical testing. Allele origin: germline.
Comment: This sequence change replaces isoleucine, which is neutral and non-polar, with threonine, which is neutral and polar, at codon 145 of the MMACHC protein (p.Ile145Thr). This variant is present in population databases (rs759921519, gnomAD 0.01%). This variant has not been reported in the literature in individuals affected with MMACHC-related conditions. ClinVar contains an entry for this variant (Variation ID: 1463938). Advanced modeling of protein sequence and biophysical properties (such as structural, functional, and spatial information, amino acid conservation, physicochemical variation, residue mobility, and thermodynamic stability) has been performed at Invitae for this missense variant, however the output from this modeling did not meet the statistical confidence thresholds required to predict the impact of this variant on MMACHC protein function. In summary, the available evidence is currently insufficient to determine the role of this variant in disease. Therefore, it has been classified as a Variant of Uncertain Significance.

Genome-Nilou Lab
Classification: Uncertain significance for Cobalamin C disease. Last evaluated: 2023-04-11. Review status: criteria provided, single submitter. Criteria: ACMG Guidelines, 2015. Collection method: clinical testing. Allele origin: germline. Affected: no.

Women's Health and Genetics/Laboratory Corporation of America, LabCorp
Classification: Uncertain significance. Last evaluated: 2022-06-28. Review status: criteria provided, single submitter. Criteria: LabCorp Variant Classification Summary - May 2015. Collection method: clinical testing. Allele origin: germline.
Comment: Variant summary: MMACHC c.434T>C (p.Ile145Thr) results in a non-conservative amino acid change in the encoded protein sequence. Four of five in-silico tools predict a damaging effect of the variant on protein function. The variant allele was found at a frequency of 2e-05 in 248704 control chromosomes (gnomAD). The available data on variant occurrences in the general population are insufficient to allow any conclusion about variant significance. To our knowledge, no occurrence of c.434T>C in individuals affected with Methylmalonic Acidemia With Homocystinuria and no experimental evidence demonstrating its impact on protein function have been reported. One clinical diagnostic laboratory has submitted clinical-significance assessments for this variant to ClinVar after 2014 without evidence for independent evaluation and classified the variant as uncertain significance. Based on the evidence outlined above, the variant was classified as uncertain significance.

Fulgent Genetics
Classification: Uncertain significance for Cobalamin C disease. Last evaluated: 2021-10-18. Review status: criteria provided, single submitter. Criteria: ACMG Guidelines, 2015. Collection method: clinical testing. Allele origin: unknown.